The following is an entry in ClinVar:

ClinVar aggregate classification (germline): Uncertain significance (1 of 4 stars; one submission).

Conditions:
Noonan syndrome 8 (NS8). Identifiers: Orphanet 648, MedGen C3809233, MONDO:0014143, OMIM 615355.

Submission:

Labcorp Genetics (formerly Invitae), Labcorp
Classification: Uncertain significance for Noonan syndrome 8. Last evaluated: 2024-11-22. Review status: criteria provided, single submitter. Criteria: Invitae Variant Classification Sherloc (09022015). Collection method: clinical testing. Allele origin: germline.
Comment: This sequence change replaces arginine, which is basic and polar, with glutamine, which is neutral and polar, at codon 20 of the RIT1 protein (p.Arg20Gln). This variant is present in population databases (rs778233462, gnomAD 0.0009%). This variant has not been reported in the literature in individuals affected with RIT1-related conditions. An algorithm developed to predict the effect of missense changes on protein structure and function (PolyPhen-2) suggests that this variant is likely to be disruptive. In summary, the available evidence is currently insufficient to determine the role of this variant in disease. Therefore, it has been classified as a Variant of Uncertain Significance.

NM_006912.6(RIT1):c.59G>A (p.Arg20Gln)

Gene: RIT1 (Ras like without CAAX 1; minus strand). Cytogenetic location: 1q22.
Variant type: single nucleotide variant.
Coding change: c.59G>A on transcript NM_006912.6 (MANE Select); coding-DNA position 59, G replaced by A.
Protein change: p.Arg20Gln; replaces arginine 20 with glutamine.
Molecular consequence: missense variant. On other transcripts: intron variant (1).
Genome position (GRCh38, 1-based): chr1:155,910,703, C>T on the plus strand (G>A on the coding strand, the complement: RIT1 is on the minus strand). VCF-style: chr1-155910703-C-T. GRCh37 (hg19) VCF-style: chr1-155880494-C-T.
Other names: c.110G>A, p.Arg37Gln (NM_001256821.2); c.-2-197G>A (NM_001256820.2); short protein forms R20Q, R37Q.
Identifiers: ClinVar variation 3622253 (VCV003622253.2).